The following is an entry in ClinVar:

ClinVar aggregate classification (germline): Pathogenic (1 of 4 stars; one submission).

Conditions:
Neuromuscular disease caused by qualitative or quantitative defects of dysferlin. Also called: Qualitative or quantitative defects of dysferlin; Dysferlinopathy. Identifiers: Orphanet 207073, MedGen C2931687, MONDO:0016145.

Submission:

Labcorp Genetics (formerly Invitae), Labcorp
Classification: Pathogenic for Neuromuscular disease caused by qualitative or quantitative defects of dysferlin. Last evaluated: 2021-05-02. Review status: criteria provided, single submitter. Criteria: Invitae Variant Classification Sherloc (09022015). Collection method: clinical testing. Allele origin: germline.
Comment: For these reasons, this variant has been classified as Pathogenic. This variant has been observed in individual(s) with distal myopathy (PMID: 15477515). This variant is not present in population databases (ExAC no frequency). This sequence change creates a premature translational stop signal (p.Val37Serfs*6) in the DYSF gene. It is expected to result in an absent or disrupted protein product. Loss-of-function variants in DYSF are known to be pathogenic (PMID: 17698709, 20301480).

Literature cited by the submitters: PubMed 15477515; PubMed 17698709; PubMed 20301480.

NM_001130987.2(DYSF):c.108del (p.Val38fs)

Gene: DYSF (dysferlin; plus strand). Cytogenetic location: 2p13.2.
Variant type: Deletion.
Coding change: c.108del on transcript NM_001130987.2 (MANE Select); coding-DNA position 108, one base deleted (C; older notation c.108delC).
Protein change: p.Val38fs; shifts the reading frame from valine 38.
Molecular consequence: frameshift variant.
Genome position (GRCh38, 1-based): chr2:71,480,899, C deleted; the last of 2 consecutive C bases (chr2:71,480,898-71,480,899); deleting either gives the same sequence. VCF-style (leftmost placement, unchanged base first): chr2-71480897-AC-A. GRCh37 (hg19) VCF-style: chr2-71708027-AC-A.
Other names: c.108del, p.Val38fs (NM_001130455.2, NM_001130982.2, NM_001130983.2 and 3 more transcripts); c.105del, p.Val37fs (NM_001130976.2, NM_001130977.2, NM_001130978.2 and 4 more transcripts); short protein forms V37fs, V38fs.
Identifiers: ClinVar variation 1458131 (VCV001458131.8), dbSNP rs1320173977, ClinGen allele CA533255452.
Genomic context (GRCh38, chr2:71,480,897, plus strand): 5'-AAAGGCGGGATGTGTCTCTCCATTCTCCCTTTTGTGTCTCTTGTAGGGGTGAAGAAGAGA[AC>A]CAAAGTCATCAAGAACAGCGTGAACCCTGTATGGAATGAGGTATGTGAGTTTTTCTCCTT-3'